The following is an entry in ClinVar:

ClinVar aggregate classification (germline): Pathogenic (1 of 4 stars; one submission).

Conditions:
Inborn genetic diseases. Identifiers: MedGen C0950123, MeSH D030342.

Submission:

Ambry Genetics
Classification: Pathogenic for Inborn genetic diseases. Last evaluated: 2021-04-13. Review status: criteria provided, single submitter. Criteria: Ambry Variant Classification Scheme 2023. Collection method: clinical testing. Allele origin: germline.
Comment: The c.67dupC (p.L23Pfs*50) alteration, located in exon 1 (coding exon 1) of the HMGCS2 gene, consists of a duplication of C at position 67, causing a translational frameshift with a predicted alternate stop codon after 50 amino acids. This alteration is expected to result in loss of function by premature protein truncation or nonsense-mediated mRNA decay. Based on data from the Genome Aggregation Database (gnomAD), the HMGCS2 c.67dupC alteration was not observed, with coverage at this position. Based on the available evidence, this alteration is classified as pathogenic.

NM_005518.4(HMGCS2):c.67dup (p.Leu23fs)

Genes: HMGCS2 (3-hydroxy-3-methylglutaryl-CoA synthase 2; minus strand), LOC122094910 (Sharpr-MPRA regulatory region 1341; plus strand). Cytogenetic location: 1p12.
Variant type: Duplication.
Coding change: c.67dup on transcript NM_005518.4 (MANE Select); coding-DNA position 67, one base duplicated (C; older notation c.67dupC).
Protein change: p.Leu23fs; shifts the reading frame from leucine 23.
Molecular consequence: frameshift variant.
Genome position (GRCh38, 1-based): chr1:119,768,778, G duplicated on the plus strand (C on the coding strand, the reverse complement: HMGCS2 is on the minus strand); the first of 3 consecutive G bases (chr1:119,768,778-119,768,780); duplicating any one gives the same sequence. VCF-style (leftmost placement, unchanged base first): chr1-119768777-A-AG. GRCh37 (hg19) VCF-style: chr1-120311400-A-AG.
Other names: c.67dup, p.Leu23fs (NM_001166107.1); c.67dupC (NM_005518.3); short protein forms L23fs.
Identifiers: ClinVar variation 2230120 (VCV002230120.2), dbSNP rs1653324348, ClinGen allele CA1192446895.